The following is an entry in ClinVar:

NM_005557.4(KRT16):c.175G>T (p.Gly59Trp)

Gene: KRT16 (keratin 16; minus strand). Cytogenetic location: 17q21.2.
Variant type: single nucleotide variant.
Coding change: c.175G>T on transcript NM_005557.4 (MANE Select); coding-DNA position 175, G replaced by T.
Protein change: p.Gly59Trp; replaces glycine 59 with tryptophan.
Molecular consequence: missense variant.
Genome position (GRCh38, 1-based): chr17:41,612,514, C>A on the plus strand (G>T on the coding strand, the complement: KRT16 is on the minus strand). VCF-style: chr17-41612514-C-A. GRCh37 (hg19) VCF-style: chr17-39768766-C-A.
Other names: short protein forms G59W.
Identifiers: ClinVar variation 1049150 (VCV001049150.1), dbSNP rs765169539, ClinGen allele CA399496066.
Genomic context (GRCh38, chr17:41,612,514, plus strand): 5'-CAAAGCTGCTGCTGCTGCTGAAGCCACCGCCATAGCCGCCCCCCAGCCCGCAGGCTCCCC[C>A]AGAGGAGAAGCGAGAGGAGACAGACAGGCCGCCCCCGTAGGTGCTGGGGGCACGGCAGGA-3'
Protein context (NP_005548.2, residues 49-69): GLSVSSRFSS[Gly59Trp]GACGLGGGYG

ClinVar aggregate classification (germline): Uncertain significance (0 of 4 stars; one submission).

Submission:

Department of Pathology and Laboratory Medicine, Sinai Health System
Classification: Uncertain significance. Review status: no assertion criteria provided. Collection method: clinical testing. Allele origin: unknown. Affected: yes. Study: The Canadian Open Genetics Repository (COGR).
Comment: The KRT16 p.Gly59Trp variant was not identified in the literature nor was it identified in the ClinVar, Cosmic, MutDB, LOVD 3.0, and UMD-LSDB databases. The variant was identified in dbSNP (ID: rs765169539). The variant was not identified in the following control databases: the 1000 Genomes Project, the NHLBI GO Exome Sequencing Project, the Exome Aggregation Consortium (August 8th 2016), or the Genome Aggregation Database (Feb 27, 2017). The p.Gly59 resodue is conserved in mammals and other species, and computational analyses (PolyPhen-2, SIFT, AlignGVGD, BLOSUM, MutationTaster) provide inconsistent predictions regarding the impact to the protein; this information is not very predictive of pathogenicity. The variant occurs outside of the splicing consensus sequence and in silico or computational prediction software programs (SpliceSiteFinder, MaxEntScan, NNSPLICE, GeneSplicer) do not predict an impact on splicing. In summary, based on the above information the clinical significance of this variant cannot be determined with certainty at this time. This variant is classified as a variant of uncertain significance.